The following is an entry in ClinVar:

NM_001253697.2(ERBIN):c.356T>C (p.Ile119Thr)

Gene: ERBIN (erbb2 interacting protein; plus strand). Cytogenetic location: 5q12.3.
Variant type: single nucleotide variant.
Coding change: c.356T>C on transcript NM_001253697.2 (MANE Select); coding-DNA position 356, T replaced by C.
Protein change: p.Ile119Thr; replaces isoleucine 119 with threonine.
Molecular consequence: missense variant.
Genome position (GRCh38, 1-based): chr5:66,012,097, T>C. VCF-style: chr5-66012097-T-C. GRCh37 (hg19) VCF-style: chr5-65307925-T-C.
Other names: c.356T>C, p.Ile119Thr (NM_001006600.3, NM_001253698.2, NM_001253699.2 and 2 more transcripts); short protein forms I119T.
Identifiers: ClinVar variation 4808329 (VCV004808329.1).
Genomic context (GRCh38, chr5:66,012,097, plus strand): 5'-TTTGTTTTCTAGGAATACAGGAGTTTCCAGAAAATATAAAAAATTGTAAAGTTTTGACAA[T>C]TGTGGAGGCCAGTGTAAACCCTATTTCCAAGTAAGTTCTCAGGTGAATTATAAATTACTT-3'
Protein context (NP_001240626.1, residues 109-129): ENIKNCKVLT[Ile119Thr]VEASVNPISK

ClinVar aggregate classification (germline): Uncertain significance (1 of 4 stars; one submission).

gnomAD v4.1: 3 of 1,607,426 alleles (0.00019%); highest among the groups gnomAD compares: Non-Finnish European, 0.00017%; no homozygotes.

Submission:

Labcorp Genetics (formerly Invitae), Labcorp
Classification: Uncertain significance. Last evaluated: 2026-01-02. Review status: criteria provided, single submitter. Criteria: Invitae Variant Classification Sherloc (09022015). Collection method: clinical testing. Allele origin: germline.
Comment: This sequence change replaces isoleucine, which is neutral and non-polar, with threonine, which is neutral and polar, at codon 119 of the ERBIN protein (p.Ile119Thr). This variant is not present in population databases (gnomAD no frequency). This variant has not been reported in the literature in individuals affected with ERBIN-related conditions. An algorithm developed to predict the effect of missense changes on protein structure and function (PolyPhen-2) suggests that this variant is likely to be tolerated. In summary, the available evidence is currently insufficient to determine the role of this variant in disease. Therefore, it has been classified as a Variant of Uncertain Significance.